The following is an entry in ClinVar:

ClinVar aggregate classification (germline): Conflicting classifications of pathogenicity. Review status: criteria provided, conflicting classifications (1 of 4 stars). 3 submissions from 3 submitters: Uncertain significance (2); Likely benign (1). Last evaluated 2025-08-09.

Conditions:
Hereditary breast ovarian cancer syndrome. Also called: Hereditary breast and ovarian cancer syndrome; Hereditary breast and ovarian cancer; Hereditary breast and ovarian cancer syndrome (HBOC); Breast and ovarian cancer; Hereditary breast and/or ovarian cancer syndrome; BRCA1- and BRCA2-Associated Hereditary Breast and Ovarian Cancer. Identifiers: Orphanet 145, MedGen C0677776, MeSH D061325, MONDO:0003582. Disease mechanism: loss of function.
Hereditary cancer-predisposing syndrome. Also called: Neoplastic Syndromes, Hereditary; Tumor predisposition; Hereditary Cancer Syndrome; Hereditary neoplastic syndrome. Identifiers: Orphanet 140162, MedGen C0027672, MeSH D009386, MONDO:0015356.

Submissions (3):

Labcorp Genetics (formerly Invitae), Labcorp
Classification: Uncertain significance for Hereditary breast ovarian cancer syndrome. Last evaluated: 2025-08-09. Review status: criteria provided, single submitter. Criteria: Invitae Variant Classification Sherloc (09022015). Collection method: clinical testing. Allele origin: germline.
Comment: This sequence change replaces serine, which is neutral and polar, with threonine, which is neutral and polar, at codon 504 of the BRCA2 protein (p.Ser504Thr). This variant is not present in population databases (gnomAD no frequency). This variant has not been reported in the literature in individuals affected with BRCA2-related conditions. ClinVar contains an entry for this variant (Variation ID: 485436). Invitae Evidence Modeling of protein sequence and biophysical properties (such as structural, functional, and spatial information, amino acid conservation, physicochemical variation, residue mobility, and thermodynamic stability) indicates that this missense variant is not expected to disrupt BRCA2 protein function with a negative predictive value of 95%. In summary, the available evidence is currently insufficient to determine the role of this variant in disease. Therefore, it has been classified as a Variant of Uncertain Significance.

University of Washington Department of Laboratory Medicine, University of Washington
Classification: Likely benign for Hereditary cancer-predisposing syndrome. Last evaluated: 2023-03-23. Review status: criteria provided, single submitter. Criteria: Dines et al. (Genet Med. 2020). Collection method: curation. Allele origin: germline.
Comment: Missense variant in a coldspot region where missense variants are very unlikely to be pathogenic (PMID:31911673).

BRCA2 exon 10 coldspot. Reclassification based on statistical prior probability.

Ambry Genetics
Classification: Uncertain significance for Hereditary cancer-predisposing syndrome. Last evaluated: 2020-03-30. Review status: criteria provided, single submitter. Criteria: Ambry Variant Classification Scheme 2023. Collection method: clinical testing. Allele origin: germline.
Comment: The p.S504T variant (also known as c.1510T>A), located in coding exon 9 of the BRCA2 gene, results from a T to A substitution at nucleotide position 1510. The serine at codon 504 is replaced by threonine, an amino acid with similar properties. This amino acid position is not well conserved in available vertebrate species. In addition, this alteration is predicted to be tolerated by in silico analysis. Since supporting evidence is limited at this time, the clinical significance of this alteration remains unclear.

NM_000059.4(BRCA2):c.1510T>A (p.Ser504Thr)

Gene: BRCA2 (BRCA2 DNA repair associated; plus strand). Cytogenetic location: 13q13.1.
Variant type: single nucleotide variant.
Coding change: c.1510T>A on transcript NM_000059.4 (MANE Select); coding-DNA position 1510, T replaced by A.
Protein change: p.Ser504Thr; replaces serine 504 with threonine.
Molecular consequence: missense variant.
Genome position (GRCh38, 1-based): chr13:32,332,988, T>A. VCF-style: chr13-32332988-T-A. GRCh37 (hg19) VCF-style: chr13-32907125-T-A.
Other names: short protein forms S504T.
Identifiers: ClinVar variation 485436 (VCV000485436.15), dbSNP rs786203006, ClinGen allele CA387764521.